The following is an entry in ClinVar:

NM_005720.4(ARPC1B):c.746C>T (p.Ala249Val)

Gene: ARPC1B (actin related protein 2/3 complex subunit 1B; plus strand). Cytogenetic location: 7q22.1.
Variant type: single nucleotide variant.
Coding change: c.746C>T on transcript NM_005720.4 (MANE Select); coding-DNA position 746, C replaced by T.
Protein change: p.Ala249Val; replaces alanine 249 with valine.
Molecular consequence: missense variant.
Genome position (GRCh38, 1-based): chr7:99,391,216, C>T. VCF-style: chr7-99391216-C-T. GRCh37 (hg19) VCF-style: chr7-98988839-C-T.
Other names: short protein forms A249V.
Identifiers: ClinVar variation 1357054 (VCV001357054.8), dbSNP rs754153254, ClinGen allele CA4364122.

ClinVar aggregate classification (germline): Uncertain significance. Review status: criteria provided, multiple submitters, no conflicts (2 of 4 stars). 2 submissions from 2 submitters: Uncertain significance (2). Last evaluated 2024-09-18.

Allele frequency attached by ClinVar (database versions not stated): ExAC 0.00001; gnomAD 0.00001; gnomAD exomes 0.00001 and 0.00002; TOPMed 0.00002.
gnomAD v4.1: 39 of 1,613,926 alleles (0.0024%); highest among the groups gnomAD compares: Admixed American, 0.0067%; no homozygotes.

Submissions (2):

Labcorp Genetics (formerly Invitae), Labcorp
Classification: Uncertain significance. Last evaluated: 2024-09-18. Review status: criteria provided, single submitter. Criteria: Invitae Variant Classification Sherloc (09022015). Collection method: clinical testing. Allele origin: germline.
Comment: This sequence change replaces alanine, which is neutral and non-polar, with valine, which is neutral and non-polar, at codon 249 of the ARPC1B protein (p.Ala249Val). This variant is present in population databases (rs754153254, gnomAD 0.003%). This variant has not been reported in the literature in individuals affected with ARPC1B-related conditions. ClinVar contains an entry for this variant (Variation ID: 1357054). Invitae Evidence Modeling of protein sequence and biophysical properties (such as structural, functional, and spatial information, amino acid conservation, physicochemical variation, residue mobility, and thermodynamic stability) indicates that this missense variant is not expected to disrupt ARPC1B protein function with a negative predictive value of 80%. In summary, the available evidence is currently insufficient to determine the role of this variant in disease. Therefore, it has been classified as a Variant of Uncertain Significance.

Blueprint Genetics
Classification: Uncertain significance. Last evaluated: 2022-02-10. Review status: criteria provided, single submitter. Criteria: ACMG Guidelines, 2015. Collection method: clinical testing. Allele origin: germline.